The following is an entry in ClinVar:

NM_015335.5(MED13L):c.4715del (p.Asn1572fs)

Gene: MED13L (mediator complex subunit 13L; minus strand). Cytogenetic location: 12q24.21.
Variant type: Deletion.
Coding change: c.4715del on transcript NM_015335.5 (MANE Select); coding-DNA position 4715, one base deleted (A; older notation c.4715delA).
Protein change: p.Asn1572fs; shifts the reading frame from asparagine 1572.
Molecular consequence: frameshift variant.
Genome position (GRCh38, 1-based): chr12:115,983,357, T deleted on the plus strand (A on the coding strand, the reverse complement: MED13L is on the minus strand); the first of 3 consecutive T bases (chr12:115,983,357-115,983,359); deleting any one gives the same sequence. VCF-style (leftmost placement, unchanged base first): chr12-115983356-AT-A. GRCh37 (hg19) VCF-style: chr12-116421161-AT-A.
Other names: short protein forms N1572fs.
Identifiers: ClinVar variation 2761587 (VCV002761587.3), dbSNP rs2499827000, ClinGen allele CA2697551545.

ClinVar aggregate classification (germline): Pathogenic (1 of 4 stars; one submission).

Conditions:
Dextro-looped transposition of the great arteries. Also called: Dextrotransposition of the great arteries. Identifiers: Orphanet 860, MedGen C3531771, MONDO:0019443, OMIM 608808, HP:0031348.

Submission:

Labcorp Genetics (formerly Invitae), Labcorp
Classification: Pathogenic for Dextro-looped transposition of the great arteries. Last evaluated: 2023-11-09. Review status: criteria provided, single submitter. Criteria: Invitae Variant Classification Sherloc (09022015). Collection method: clinical testing. Allele origin: germline.
Comment: This sequence change creates a premature translational stop signal (p.Asn1572Ilefs*28) in the MED13L gene. It is expected to result in an absent or disrupted protein product. Loss-of-function variants in MED13L are known to be pathogenic (PMID: 25712080, 25758992). This variant is not present in population databases (gnomAD no frequency). This variant has not been reported in the literature in individuals affected with MED13L-related conditions. For these reasons, this variant has been classified as Pathogenic.

Literature cited by the submitters: PubMed 25712080; PubMed 25758992.